The following is an entry in ClinVar:

ClinVar aggregate classification (germline): Pathogenic (1 of 4 stars; one submission).

Conditions:
Distal arthrogryposis type 5D (DA5D). Identifiers: Orphanet 329457, MedGen C3554415, MONDO:0014028, OMIM 615065.

Allele frequency attached by ClinVar (database versions not stated): gnomAD exomes below 0.00001.
gnomAD v4.1: 1 of 1,612,822 alleles (0.000062%); highest among the groups gnomAD compares: South Asian, 0.0011%; no homozygotes.

Submission:

3billion
Classification: Pathogenic for Distal arthrogryposis type 5D. Review status: criteria provided, single submitter. Criteria: ACMG Guidelines, 2015. Collection method: clinical testing. Allele origin: unknown. Affected: yes. Observed: 1 homozygote.
Comment: The variant is observed at an extremely low frequency in the gnomAD v2.1.1 dataset (total allele frequency: <0.001%). The variant is predicted to result in a loss or disruption of normal protein function through nonsense-mediated decay (NMD) or protein truncation. Multiple pathogenic variants are reported downstream of the variant. Therefore, this variant is classified as Pathogenic according to the recommendation of ACMG/AMP guideline.

NM_004826.4(ECEL1):c.1702C>T (p.Gln568Ter)

Gene: ECEL1 (endothelin converting enzyme like 1; minus strand). Cytogenetic location: 2q37.1.
Variant type: single nucleotide variant.
Coding change: c.1702C>T on transcript NM_004826.4 (MANE Select); coding-DNA position 1702, C replaced by T.
Protein change: p.Gln568Ter; replaces glutamine 568 with a stop codon.
Molecular consequence: nonsense.
Genome position (GRCh38, 1-based): chr2:232,482,592, G>A on the plus strand (C>T on the coding strand, the complement: ECEL1 is on the minus strand). VCF-style: chr2-232482592-G-A. GRCh37 (hg19) VCF-style: chr2-233347302-G-A.
Other names: c.1696C>T, p.Gln566Ter (NM_001290787.2); short protein forms Q566*, Q568*.
Identifiers: ClinVar variation 2572395 (VCV002572395.1), dbSNP rs1400906735, ClinGen allele CA350998243.
Genomic context (GRCh38, chr2:232,482,592, plus strand): 5'-AGGGACACATCCCCTTACCCATCTGGTTCTTGTTGGGTAGATAGTAGGCATTGAGCGCCT[G>A]TGGGGGGAGCAGCCACCTGTGGAGGGATGCTGGGGTGAATGGGGGGAACACACTCCCTCC-3'